The following is an entry in ClinVar:

NM_000384.3(APOB):c.6478T>G (p.Leu2160Val)

Gene: APOB (apolipoprotein B; minus strand). Cytogenetic location: 2p24.1.
Variant type: single nucleotide variant.
Coding change: c.6478T>G on transcript NM_000384.3 (MANE Select); coding-DNA position 6478, T replaced by G.
Protein change: p.Leu2160Val; replaces leucine 2160 with valine.
Molecular consequence: missense variant.
Genome position (GRCh38, 1-based): chr2:21,010,390, A>C on the plus strand (T>G on the coding strand, the complement: APOB is on the minus strand). VCF-style: chr2-21010390-A-C. GRCh37 (hg19) VCF-style: chr2-21233262-A-C.
Other names: short protein forms L2160V.
Identifiers: ClinVar variation 3885717 (VCV003885717.2).

ClinVar aggregate classification (germline): Uncertain significance (1 of 4 stars; one submission).

Conditions:
Cardiovascular phenotype. Identifiers: MedGen CN230736.

Submission:

Ambry Genetics
Classification: Uncertain significance for Cardiovascular phenotype. Last evaluated: 2026-09-11. Review status: criteria provided, single submitter. Criteria: Ambry Variant Classification Scheme 2023. Collection method: clinical testing. Allele origin: germline.
Comment: The p.L2160V variant (also known as c.6478T>G), located in coding exon 26 of the APOB gene, results from a T to G substitution at nucleotide position 6478. The leucine at codon 2160 is replaced by valine, an amino acid with highly similar properties. This amino acid position is conserved. In addition, this alteration is predicted to be tolerated by in silico analysis. Based on the available evidence, the clinical significance of this variant remains unclear.